The following is an entry in ClinVar:

GRCh38/hg38 18q12.1-12.3(chr18:29444510-40403652)x1

Genes: ASXL3 (ASXL transcriptional regulator 3; plus strand), B4GALT6 (beta-1,4-galactosyltransferase 6; minus strand), CCDC178 (coiled-coil domain containing 178; minus strand), CELF4 (CUGBP Elav-like family member 4; minus strand), COSMOC (cell fate and sterol metabolism associated divergent transcript of MOCOS; minus strand) and 166 more. Cytogenetic location: 18q12.1-12.3.
Variant type: copy number loss.
Change: copy number 1 (one copy instead of two) of chr18:29,444,510-40,403,652 (10.96 Mb, GRCh38 coordinates, 1-based), cytogenetic band 18q12.1-12.3.
Identifiers: ClinVar variation 57393 (VCV000057393.1).

ClinVar aggregate classification (germline): Pathogenic (1 of 4 stars; one submission).

Submission:

ISCA site 4
Classification: Pathogenic. Last evaluated: 2011-08-12. Review status: criteria provided, single submitter. Criteria: Kaminsky et al. (Genet Med. 2011). Collection method: clinical testing. Allele origin: unknown. Affected: yes. Observed: 1 variant allele.
Comment: Copy number variation identified through the course of routine clinical cytogenomic testing in postnatal populations. Clinical assertions have been curated as described in Kaminsky et al. 2011.